The following is an entry in ClinVar:

ClinVar aggregate classification (germline): Uncertain significance (1 of 4 stars; one submission).

Conditions:
Spermatogenic failure 18. Identifiers: MedGen C4539783, MONDO:0054615, OMIM 617576.
Ciliary dyskinesia, primary, 37 (CILD37). Also called: CILIARY DYSKINESIA, PRIMARY, 37, WITH OR WITHOUT SITUS INVERSUS. Identifiers: MedGen C4539798, MONDO:0033204, OMIM 617577.

Allele frequency attached by ClinVar (database versions not stated): gnomAD 0.00001; TOPMed 0.00002.
gnomAD v4.1: 1 of 1,612,958 alleles (0.000062%); highest among the groups gnomAD compares: African/African-American, 0.0013%; no homozygotes.

Submission:

Labcorp Genetics (formerly Invitae), Labcorp
Classification: Uncertain significance for Ciliary dyskinesia, primary, 37; Spermatogenic failure 18. Last evaluated: 2019-07-03. Review status: criteria provided, single submitter. Criteria: Invitae Variant Classification Sherloc (09022015). Collection method: clinical testing. Allele origin: germline.
Comment: This sequence change replaces asparagine with histidine at codon 2384 of the DNAH1 protein (p.Asn2384His). The asparagine residue is weakly conserved and there is a small physicochemical difference between asparagine and histidine. This variant is not present in population databases (ExAC no frequency). This variant has not been reported in the literature in individuals with DNAH1-related disease. Algorithms developed to predict the effect of missense changes on protein structure and function (SIFT, PolyPhen-2, Align-GVGD) all suggest that this variant is likely to be tolerated, but these predictions have not been confirmed by published functional studies and their clinical significance is uncertain. In summary, the available evidence is currently insufficient to determine the role of this variant in disease. Therefore, it has been classified as a Variant of Uncertain Significance.

NM_015512.5(DNAH1):c.7150A>C (p.Asn2384His)

Gene: DNAH1 (dynein axonemal heavy chain 1; plus strand). Cytogenetic location: 3p21.1.
Variant type: single nucleotide variant.
Coding change: c.7150A>C on transcript NM_015512.5 (MANE Select); coding-DNA position 7150, A replaced by C.
Protein change: p.Asn2384His; replaces asparagine 2384 with histidine.
Molecular consequence: missense variant.
Genome position (GRCh38, 1-based): chr3:52,375,404, A>C. VCF-style: chr3-52375404-A-C. GRCh37 (hg19) VCF-style: chr3-52409420-A-C.
Other names: short protein forms N2384H.
Identifiers: ClinVar variation 582249 (VCV000582249.8), dbSNP rs1403012259, ClinGen allele CA353172115.